The following is an entry in ClinVar:

NM_004183.4(BEST1):c.854T>A (p.Val285Asp)

Gene: BEST1 (bestrophin 1; plus strand). Cytogenetic location: 11q12.3.
Variant type: single nucleotide variant.
Coding change: c.854T>A on transcript NM_004183.4 (MANE Select); coding-DNA position 854, T replaced by A.
Protein change: p.Val285Asp; replaces valine 285 with aspartic acid.
Molecular consequence: missense variant. On other transcripts: non-coding transcript variant (1).
Genome position (GRCh38, 1-based): chr11:61,958,285, T>A. VCF-style: chr11-61958285-T-A. GRCh37 (hg19) VCF-style: chr11-61725757-T-A.
Other names: c.674T>A, p.Val225Asp (NM_001139443.3, NM_001300786.2, NM_001300787.2); c.536T>A, p.Val179Asp (NM_001363591.3); c.854T>A, p.Val285Asp (NM_001363592.2); c.-322T>A (NM_001363593.3); short protein forms V179D, V225D, V285D.
Identifiers: ClinVar variation 870483 (VCV000870483.5), dbSNP rs376577490, ClinGen allele CA380840333.
Genomic context (GRCh38, chr11:61,958,285, plus strand): 5'-CTGGCCATGAGCTGGACCTCGTTGTGCCCGTCTTCACGTTCCTGCAGTTCTTCTTCTATG[T>A]TGGCTGGCTGAAGGTGGGCCTCTCCAGGGCCCTGCTGGGCTGGAGGCATGGCCAGAGGGG-3'
Protein context (NP_004174.1, residues 275-295): VFTFLQFFFY[Val285Asp]GWLKVAEQLI

ClinVar aggregate classification (germline): Uncertain significance (1 of 4 stars; one submission).

Conditions:
Rod-cone dystrophy. Identifiers: MedGen C4551714, HP:0000510.

Submission:

Diagnostics Services (NGS), CSIR - Centre For Cellular And Molecular Biology
Classification: Uncertain significance for Rod-cone dystrophy. Last evaluated: 2020-03-23. Review status: criteria provided, single submitter. Criteria: ACMG Guidelines, 2015. Collection method: clinical testing. Allele origin: unknown. Affected: yes. Observed: 1 heterozygote.
Comment: The c.854T>A variant is not present in publicly available databases like 1000 Genomes, Exome Variant Server (EVS), Exome Aggregation Consortium (ExAC), Genome Aggregation Database (gnomAD) and dbSNP. The variant is not present in our in-house exome database. The variant was not reported to OMIM, ClinVar or Human Genome Mutation Database (HGMD), in any affected individuals. The variant is present in a conserved region and in-silico pathogenicity prediction programslike SIFT, PolyPhen-2, MutationTaster2, CADD etc. predicted this variant to be likely deleterious. However there are no documented functional studies to prove this. Due to lack of enough evidence the variant has been classified as uncertain significance.